The following is an entry in ClinVar:

ClinVar aggregate classification (germline): Uncertain significance (1 of 4 stars; one submission).

Conditions:
Joubert syndrome 23 (JBTS23). Identifiers: Orphanet 475, MedGen C4084822, MONDO:0014664, OMIM 616490.
Short-rib thoracic dysplasia 14 with polydactyly (SRTD14). Identifiers: Orphanet 397715, MedGen C4225286, MONDO:0014688, OMIM 616546.

Allele frequency attached by ClinVar (database versions not stated): gnomAD exomes below 0.00001; gnomAD 0.00002; 1000 Genomes Project 30x 0.00031.
gnomAD v4.1: 5 of 456,080 alleles (0.0011%); highest among the groups gnomAD compares: African/African-American, 0.008%; no homozygotes.

Submission:

Labcorp Genetics (formerly Invitae), Labcorp
Classification: Uncertain significance for Joubert syndrome 23; Short-rib thoracic dysplasia 14 with polydactyly. Last evaluated: 2022-04-19. Review status: criteria provided, single submitter. Criteria: Invitae Variant Classification Sherloc (09022015). Collection method: clinical testing. Allele origin: germline.
Comment: This sequence change replaces tryptophan, which is neutral and slightly polar, with arginine, which is basic and polar, at codon 1569 of the KIAA0586 protein (p.Trp1569Arg). This variant is present in population databases (no rsID available, gnomAD 0.01%). This variant has not been reported in the literature in individuals affected with KIAA0586-related conditions. Algorithms developed to predict the effect of missense changes on protein structure and function output the following: SIFT: "Deleterious"; PolyPhen-2: "Benign"; Align-GVGD: "Class C0". The arginine amino acid residue is found in multiple mammalian species, which suggests that this missense change does not adversely affect protein function. In summary, the available evidence is currently insufficient to determine the role of this variant in disease. Therefore, it has been classified as a Variant of Uncertain Significance.

NM_001329943.3(KIAA0586):c.4495+3797T>C

Gene: KIAA0586 (KIAA0586; plus strand). Cytogenetic location: 14q23.1.
Variant type: single nucleotide variant.
Coding change: c.4495+3797T>C on transcript NM_001329943.3 (MANE Select); 3797 bases into the intron after coding-DNA position 4495, T replaced by C.
Molecular consequence: intron variant. On other transcripts: missense variant (2).
Genome position (GRCh38, 1-based): chr14:58,543,933, T>C. VCF-style: chr14-58543933-T-C. GRCh37 (hg19) VCF-style: chr14-59010651-T-C.
Other names: c.4705T>C, p.Trp1569Arg (NM_001244189.2); c.4546T>C, p.Trp1516Arg (NM_001329944.2); c.4450+3797T>C (NM_001244190.2); c.4363+3797T>C (NM_001244192.2, NM_001329947.2); c.4240+3797T>C (NM_001244191.2, NM_001364701.2); c.4430-3848T>C (NM_001329946.2); c.4267+3797T>C (NM_014749.5); c.4175-3848T>C (NM_001329945.2); short protein forms W1516R, W1569R.
Identifiers: ClinVar variation 2190203 (VCV002190203.1), dbSNP rs1423336881, ClinGen allele CA390059122.